The following is an entry in ClinVar:

NM_002210.5(ITGAV):c.185+2dup

Genes: ITGAV (integrin subunit alpha V; plus strand), LOC129935234 (ATAC-STARR-seq lymphoblastoid active region 16844; plus strand). Cytogenetic location: 2q32.1.
Variant type: Duplication.
Coding change: c.185+2dup on transcript NM_002210.5 (MANE Select); the canonical splice donor site of the intron after coding-DNA position 185, one base duplicated (T; older notation c.185+2dupT).
Molecular consequence: splice donor variant.
Genome position (GRCh38, 1-based): chr2:186,590,525, T duplicated. VCF-style (leftmost placement, unchanged base first): chr2-186590524-G-GT. GRCh37 (hg19) VCF-style: chr2-187455251-G-GT.
Other names: c.185+2dup (NM_001145000.3).
Identifiers: ClinVar variation 4998343 (VCV004998343.1).

ClinVar aggregate classification (germline): Uncertain significance (1 of 4 stars; one submission).

Conditions:
ITGAV-related disorder. Also called: ITGAV-related condition.

Submission:

PreventionGenetics, part of Exact Sciences
Classification: Uncertain significance for ITGAV-related condition. Last evaluated: 2026-06-05. Review status: criteria provided, single submitter. Criteria: ACMG Guidelines, 2015. Collection method: clinical testing. Allele origin: germline.
Comment: The ITGAV c.185+2dupT variant is predicted to result in an intronic duplication. To our knowledge, this variant has not been reported in the literature or in a large population database (gnomAD), indicating this variant is rare. At this time, the clinical significance of this variant is uncertain due to the absence of conclusive functional and genetic evidence.